The following is an entry in ClinVar:

NM_005502.4(ABCA1):c.1265del (p.Lys422fs)

Gene: ABCA1 (ATP binding cassette subfamily A member 1; minus strand). Cytogenetic location: 9q31.1.
Variant type: Deletion.
Coding change: c.1265del on transcript NM_005502.4 (MANE Select); coding-DNA position 1265, one base deleted (A; older notation c.1265delA).
Protein change: p.Lys422fs; shifts the reading frame from lysine 422.
Molecular consequence: frameshift variant.
Genome position (GRCh38, 1-based): chr9:104,837,026, T deleted on the plus strand (A on the coding strand, the reverse complement: ABCA1 is on the minus strand); the first of 2 consecutive T bases (chr9:104,837,026-104,837,027); deleting either gives the same sequence. VCF-style (leftmost placement, unchanged base first): chr9-104837025-CT-C. GRCh37 (hg19) VCF-style: chr9-107599306-CT-C.
Other names: short protein forms K422fs.
Identifiers: ClinVar variation 4715168 (VCV004715168.1).

ClinVar aggregate classification (germline): Pathogenic (1 of 4 stars; one submission).

Submission:

Labcorp Genetics (formerly Invitae), Labcorp
Classification: Pathogenic. Last evaluated: 2025-03-16. Review status: criteria provided, single submitter. Criteria: Invitae Variant Classification Sherloc (09022015). Collection method: clinical testing. Allele origin: germline.
Comment: This sequence change creates a premature translational stop signal (p.Lys422Argfs*35) in the ABCA1 gene. It is expected to result in an absent or disrupted protein product. Loss-of-function variants in ABCA1 are known to be pathogenic (PMID: 10525055, 10760292, 20880529). This variant is present in population databases (rs752285753, gnomAD 0.007%). This variant has not been reported in the literature in individuals affected with ABCA1-related conditions. For these reasons, this variant has been classified as Pathogenic.

Literature cited by the submitters: PubMed 10525055; PubMed 10760292; PubMed 20880529.